The following is an entry in ClinVar:

ClinVar aggregate classification (germline): Benign. Review status: criteria provided, multiple submitters, no conflicts (2 of 4 stars). 2 submissions from 2 submitters: Benign (2). Last evaluated 2018-01-12.

Conditions:
Acyl-CoA oxidase deficiency. Also called: STRAIGHT-CHAIN ACYL-CoA OXIDASE DEFICIENCY; Pseudoneonatal adrenoleukodystrophy; Peroxisomal acyl-CoA oxidase deficiency. Identifiers: Orphanet 2971, MedGen C1849678, MONDO:0009919, OMIM 264470. Disease mechanism: loss of function.

Allele frequency attached by ClinVar (database versions not stated): gnomAD 0.12428 and 0.12568; TOPMed 0.12865; 1000 Genomes Project 0.13958.

Submissions (2):

Illumina Laboratory Services, Illumina
Classification: Benign for Acyl-CoA oxidase deficiency. Last evaluated: 2018-01-12. Review status: criteria provided, single submitter. Criteria: ICSL Variant Classification Criteria 13 December 2019. Collection method: clinical testing. Allele origin: germline.
Comment: This variant was observed in the ICSL laboratory as part of a predisposition screen in an ostensibly healthy population. It had not been previously curated by ICSL or reported in the Human Gene Mutation Database (HGMD: prior to June 1st, 2018), and was therefore a candidate for classification through an automated scoring system. Utilizing variant allele frequency, disease prevalence and penetrance estimates, and inheritance mode, an automated score was calculated to assess if this variant is too frequent to cause the disease. Based on the score and internal cut-off values, a variant classified as benign is not then subjected to further curation. The score for this variant resulted in a classification of benign for this disease.

Breakthrough Genomics
Classification: Benign. Review status: criteria provided, single submitter. Criteria: ACMG Guidelines, 2015. Collection method: not provided. Allele origin: germline. Inheritance: Autosomal recessive inheritance. Affected: yes.

NM_004035.7(ACOX1):c.*4490A>G

Gene: ACOX1 (acyl-CoA oxidase 1; minus strand). Cytogenetic location: 17q25.1.
Variant type: single nucleotide variant.
Coding change: c.*4490A>G on transcript NM_004035.7 (MANE Select); 4490 bases downstream of the stop codon, A replaced by G.
Molecular consequence: 3 prime UTR variant.
Genome position (GRCh38, 1-based): chr17:75,942,258, T>C on the plus strand (A>G on the coding strand, the complement: ACOX1 is on the minus strand). VCF-style: chr17-75942258-T-C. GRCh37 (hg19) VCF-style: chr17-73938339-T-C.
Other names: c.*4490A>G (NM_001185039.2, NM_007292.6).
Identifiers: ClinVar variation 325305 (VCV000325305.6), dbSNP rs7212287, ClinGen allele CA10650196.